The following is an entry in ClinVar:

NM_000051.4(ATM):c.7167A>G (p.Ser2389=)

Genes: ATM (ATM serine/threonine kinase; plus strand), C11orf65 (chromosome 11 open reading frame 65; minus strand). Cytogenetic location: 11q22.3.
Variant type: single nucleotide variant.
Coding change: c.7167A>G on transcript NM_000051.4 (MANE Select); coding-DNA position 7167, A replaced by G.
Protein change: p.Ser2389=; no amino-acid change (serine 2389 retained).
Molecular consequence: synonymous variant. On other transcripts: intron variant (2).
Genome position (GRCh38, 1-based): chr11:108,329,098, A>G. VCF-style: chr11-108329098-A-G. GRCh37 (hg19) VCF-style: chr11-108199825-A-G.
Other names: c.7167A>G, p.Ser2389= (NM_001351834.2); c.641-20027T>C (NM_001330368.2); c.*38+6122T>C (NM_001351110.2).
Identifiers: ClinVar variation 2134968 (VCV002134968.5), dbSNP rs2547248210, ClinGen allele CA476676703.
Genomic context (GRCh38, chr11:108,329,098, plus strand): 5'-AAATTATGATGGAGAAAGTAGTGATGAGCTAAGAAATGGAAAAATGAAGGCATTTCTCTC[A>G]TTAGCCCGGTTTTCAGATACTCAATACCAAAGAATTGAAAACTACATGAAATCATCGGAA-3'
Protein context (NP_000042.3, residues 2379-2399): LRNGKMKAFL[Ser2389=]LARFSDTQYQ

ClinVar aggregate classification (germline): Benign/Likely benign. Review status: criteria provided, multiple submitters, no conflicts (2 of 4 stars). 2 submissions from 2 submitters: Benign (1); Likely benign (1). Last evaluated 2024-06-13.

Conditions:
Ataxia-telangiectasia syndrome (AT). Also called: ATAXIA-TELANGIECTASIA, COMPLEMENTATION GROUP A; ATAXIA-TELANGIECTASIA, FRESNO VARIANT; Ataxia-telangiectasia; Ataxia-telangiectasia, complementation group E; LOUIS-BAR SYNDROME; Cerebello-oculocutaneous telangiectasia. Identifiers: Orphanet 100, MedGen C0004135, MONDO:0008840, OMIM 208900.
Familial cancer of breast. Also called: BREAST CANCER, FAMILIAL; hereditary breast carcinoma; Hereditary breast cancer. Identifiers: Orphanet 227535, MedGen C0346153, MONDO:0016419, OMIM 114480. Disease mechanism: loss of function.

Submissions (2):

Myriad Genetics, Inc.
Classification: Benign for Familial cancer of breast. Last evaluated: 2024-06-13. Review status: criteria provided, single submitter. Criteria: Myriad Autosomal Dominant, Autosomal Recessive and X-Linked Classification Criteria (2023). Collection method: clinical testing. Allele origin: unknown.
Comment: This variant is considered benign. This variant is a silent/synonymous amino acid change and it is not expected to impact splicing.

Labcorp Genetics (formerly Invitae), Labcorp
Classification: Likely benign for Ataxia-telangiectasia syndrome. Last evaluated: 2022-05-07. Review status: criteria provided, single submitter. Criteria: Invitae Variant Classification Sherloc (09022015). Collection method: clinical testing. Allele origin: germline.